The following is an entry in ClinVar:

ClinVar aggregate classification (germline): Pathogenic (1 of 4 stars; one submission).

Conditions:
Severe X-linked myotubular myopathy (CNMX). Also called: MYOTUBULAR MYOPATHY 1; X-linked centronuclear myopathy; Myotubular myopathy, X-linked. Identifiers: Orphanet 596, MedGen C0410203, MONDO:0010683, OMIM 310400.

gnomAD v4.1: 1 of 1,060,221 alleles (0.000094%); highest among the groups gnomAD compares: Non-Finnish European, 0.00013%; no homozygotes.

Submission:

Labcorp Genetics (formerly Invitae), Labcorp
Classification: Pathogenic for Severe X-linked myotubular myopathy. Last evaluated: 2020-02-19. Review status: criteria provided, single submitter. Criteria: Invitae Variant Classification Sherloc (09022015). Collection method: clinical testing. Allele origin: germline.
Comment: For these reasons, this variant has been classified as Pathogenic. This sequence change creates a premature translational stop signal (p.Cys113*) in the MTM1 gene. It is expected to result in an absent or disrupted protein product. This variant is not present in population databases (ExAC no frequency). This variant has not been reported in the literature in individuals with MTM1-related conditions. Loss-of-function variants in MTM1 are known to be pathogenic (PMID: 9305655, 10063835).

Literature cited by the submitters: PubMed 9305655; PubMed 10063835.

NM_000252.3(MTM1):c.339T>A (p.Cys113Ter)

Gene: MTM1 (myotubularin 1; plus strand). Cytogenetic location: Xq28.
Variant type: single nucleotide variant.
Coding change: c.339T>A on transcript NM_000252.3 (MANE Select); coding-DNA position 339, T replaced by A.
Protein change: p.Cys113Ter; replaces cysteine 113 with a stop codon.
Molecular consequence: nonsense. On other transcripts: intron variant (1).
Genome position (GRCh38, 1-based): chrX:150,614,696, T>A. VCF-style: chrX-150614696-T-A. GRCh37 (hg19) VCF-style: chrX-149783169-T-A.
Other names: c.339T>A, p.Cys113Ter (NM_001376906.1, NM_001376908.1); c.232-4342T>A (NM_001376907.1); short protein forms C113*.
Identifiers: ClinVar variation 1071778 (VCV001071778.8), dbSNP rs147644722, ClinGen allele CA415250378.